The following is an entry in ClinVar:

NM_130837.3(OPA1):c.1549A>C (p.Thr517Pro)

Gene: OPA1 (OPA1 mitochondrial dynamin like GTPase; plus strand). Cytogenetic location: 3q29.
Variant type: single nucleotide variant.
Coding change: c.1549A>C on transcript NM_130837.3 (MANE Select); coding-DNA position 1549, A replaced by C.
Protein change: p.Thr517Pro; replaces threonine 517 with proline.
Molecular consequence: missense variant.
Genome position (GRCh38, 1-based): chr3:193,644,046, A>C. VCF-style: chr3-193644046-A-C. GRCh37 (hg19) VCF-style: chr3-193361835-A-C.
Other names: c.1015A>C, p.Thr339Pro (NM_001354663.2); c.1012A>C, p.Thr338Pro (NM_001354664.2); c.1384A>C, p.Thr462Pro (NM_015560.3); c.1276A>C, p.Thr426Pro (NM_130831.3); c.1330A>C, p.Thr444Pro (NM_130832.3); c.1387A>C, p.Thr463Pro (NM_130833.3); c.1438A>C, p.Thr480Pro (NM_130834.3); c.1441A>C, p.Thr481Pro (NM_130835.3); and 1 more; short protein forms T462P, T517P, T426P, T444P, T481P, T339P, T463P, T338P.
Identifiers: ClinVar variation 432153 (VCV000432153.2), dbSNP rs1553878117, ClinGen allele CA355789844.

ClinVar aggregate classification (germline): Likely pathogenic (1 of 4 stars; one submission).

Submission:

GeneDx
Classification: Likely pathogenic. Last evaluated: 2016-05-23. Review status: criteria provided, single submitter. Criteria: GeneDx Variant Classification (06012015). Collection method: clinical testing. Allele origin: germline. Affected: yes.
Comment: The T462P variant has not been published as a pathogenic variant, nor has it been reported as a benign variant to our knowledge. The T462P variant was not observed in approximately 6,500 individuals of European and African American ancestry in the NHLBI Exome Sequencing Project, indicating it is not a common benign variant in these populations. The T462P variant is a non-conservative amino acid substitution, which is likely to impact secondary protein structure as these residues differ in polarity, charge, size and/or other properties. This substitution occurs at a position that is conserved across species, and in silico analysis predicts this variant is probably damaging to the protein structure/function. A missense variant in a nearby residue (G459E) has been reported in the Human Gene Mutation Database in association with optic atrophy (Stenson et al., 2014), supporting the functional importance of this region of the protein. Therefore, this variant is likely pathogenic; however, the possibility that it is benign cannot be excluded.